The following is an entry in ClinVar:

NM_000535.7(PMS2):c.434A>T (p.Gln145Leu)

Gene: PMS2 (PMS1 homolog 2, mismatch repair system component; minus strand). Cytogenetic location: 7p22.1.
Variant type: single nucleotide variant.
Coding change: c.434A>T on transcript NM_000535.7 (MANE Select); coding-DNA position 434, A replaced by T.
Protein change: p.Gln145Leu; replaces glutamine 145 with leucine.
Molecular consequence: missense variant. On other transcripts: 5 prime UTR variant (2), non-coding transcript variant (1).
Genome position (GRCh38, 1-based): chr7:6,002,556, T>A on the plus strand (A>T on the coding strand, the complement: PMS2 is on the minus strand). VCF-style: chr7-6002556-T-A. GRCh37 (hg19) VCF-style: chr7-6042187-T-A.
Other names: c.29A>T, p.Gln10Leu (NM_001322003.2, NM_001322004.2, NM_001322005.2 and 3 more transcripts); c.434A>T, p.Gln145Leu (NM_001322006.2, NM_001322014.2); c.116A>T, p.Gln39Leu (NM_001322007.2, NM_001322008.2); c.-451A>T (NM_001322011.2, NM_001322012.2); c.125A>T, p.Gln42Leu (NM_001322015.2); short protein forms Q10L, Q145L, Q39L, Q42L.
Identifiers: ClinVar variation 1059342 (VCV001059342.9), dbSNP rs1064795040, ClinGen allele CA366744357.
Genomic context (GRCh38, chr7:6,002,556, plus strand): 5'-GTGGAAAATAACTGCTGCACGCTGACTGTGGTCCCTCTGGGGCGGGGGTAGGGGGTTTTC[T>A]GGATAATTTTCCCATTGTGATCAAACATCAGTCGAGTTCCAACCTTCGCCGATGCGTGGC-3'
Protein context (NP_000526.2, residues 135-155): LMFDHNGKII[Gln145Leu]KTPYPRPRGT

ClinVar aggregate classification (germline): Uncertain significance (1 of 4 stars; one submission).

Conditions:
Hereditary nonpolyposis colorectal neoplasms. Identifiers: MedGen C0009405, MeSH D003123.

Allele frequency attached by ClinVar (database versions not stated): gnomAD 0.00001.
gnomAD v4.1: 1 of 1,611,788 alleles (0.000062%); highest among the groups gnomAD compares: African/African-American, 0.0013%; no homozygotes.

Submission:

Labcorp Genetics (formerly Invitae), Labcorp
Classification: Uncertain significance for Hereditary nonpolyposis colorectal neoplasms. Last evaluated: 2022-12-09. Review status: criteria provided, single submitter. Criteria: Invitae Variant Classification Sherloc (09022015). Collection method: clinical testing. Allele origin: germline.
Comment: This sequence change replaces glutamine, which is neutral and polar, with leucine, which is neutral and non-polar, at codon 145 of the PMS2 protein (p.Gln145Leu). This variant is not present in population databases (gnomAD no frequency). In summary, the available evidence is currently insufficient to determine the role of this variant in disease. Therefore, it has been classified as a Variant of Uncertain Significance. Advanced modeling of protein sequence and biophysical properties (such as structural, functional, and spatial information, amino acid conservation, physicochemical variation, residue mobility, and thermodynamic stability) performed at Invitae indicates that this missense variant is not expected to disrupt PMS2 protein function. ClinVar contains an entry for this variant (Variation ID: 1059342). This variant has not been reported in the literature in individuals affected with PMS2-related conditions.